The following is an entry in ClinVar:

NM_080680.3(COL11A2):c.233-3T>C

Gene: COL11A2 (collagen type XI alpha 2 chain; minus strand). Cytogenetic location: 6p21.32.
Variant type: single nucleotide variant.
Coding change: c.233-3T>C on transcript NM_080680.3 (MANE Select); 3 bases into the intron before coding-DNA position 233, T replaced by C.
Molecular consequence: intron variant.
Genome position (GRCh38, 1-based): chr6:33,189,191, A>G on the plus strand (T>C on the coding strand, the complement: COL11A2 is on the minus strand). VCF-style: chr6-33189191-A-G. GRCh37 (hg19) VCF-style: chr6-33156968-A-G.
Other names: c.233-3T>C (NM_080679.3, NM_080681.3, NM_001163771.2).
Identifiers: ClinVar variation 2096154 (VCV002096154.1), dbSNP rs1051565263, ClinGen allele CA137054193.

ClinVar aggregate classification (germline): Uncertain significance (1 of 4 stars; one submission).

Allele frequency attached by ClinVar (database versions not stated): gnomAD exomes below 0.00001; TOPMed below 0.00001; gnomAD 0.00001.
gnomAD v4.1: 3 of 1,613,620 alleles (0.00019%); highest among the groups gnomAD compares: Middle Eastern, 0.016%; no homozygotes.

Submission:

Labcorp Genetics (formerly Invitae), Labcorp
Classification: Uncertain significance. Last evaluated: 2022-09-01. Review status: criteria provided, single submitter. Criteria: Invitae Variant Classification Sherloc (09022015). Collection method: clinical testing. Allele origin: germline.
Comment: This sequence change falls in intron 2 of the COL11A2 gene. It does not directly change the encoded amino acid sequence of the COL11A2 protein. It affects a nucleotide within the consensus splice site. This variant is not present in population databases (gnomAD no frequency). This variant has not been reported in the literature in individuals affected with COL11A2-related conditions. Variants that disrupt the consensus splice site are a relatively common cause of aberrant splicing (PMID: 17576681, 9536098). Algorithms developed to predict the effect of sequence changes on RNA splicing suggest that this variant is not likely to affect RNA splicing. In summary, the available evidence is currently insufficient to determine the role of this variant in disease. Therefore, it has been classified as a Variant of Uncertain Significance.

Literature cited by the submitters: PubMed 17576681; PubMed 9536098.